The following is an entry in ClinVar:

NM_004287.5(GOSR2):c.271C>T (p.Arg91Cys)

Genes: GOSR2 (golgi SNAP receptor complex member 2; plus strand), LRRC37A2 (leucine rich repeat containing 37 member A2), LOC126862578 (BRD4-independent group 4 enhancer GRCh37_chr17:45008344-45009543; plus strand). Cytogenetic location: 17q21.32.
Variant type: single nucleotide variant.
Coding change: c.271C>T on transcript NM_004287.5 (MANE Select); coding-DNA position 271, C replaced by T.
Protein change: p.Arg91Cys; replaces arginine 91 with cysteine.
Molecular consequence: missense variant. On other transcripts: non-coding transcript variant (3).
Genome position (GRCh38, 1-based): chr17:46,932,134, C>T. VCF-style: chr17-46932134-C-T. GRCh37 (hg19) VCF-style: chr17-45009500-C-T.
Other names: c.271C>T, p.Arg91Cys (NM_001012511.3, NM_001321133.2, NM_001330252.2 and 1 more transcripts); c.217C>T, p.Arg73Cys (NM_001321134.2, NM_001363851.2); c.268C>T, p.Arg90Cys (NM_001353114.2, NM_001353115.2, NM_001353116.2); short protein forms R90C, R73C, R91C.
Identifiers: ClinVar variation 1439039 (VCV001439039.6), dbSNP rs2087485301, ClinGen allele CA400016993.
Genomic context (GRCh38, chr17:46,932,134, plus strand): 5'-GACCAGTTAAAGTATGATGTCCAGCACCTGCAGACTGCGCTCAGAAACTTCCAGCATCGG[C>T]GCCATGCAAGGGAGCAGCAGGAGAGACAGCGAGAAGAGCTTCTGTCTCGAACCTTCACCA-3'
Protein context (NP_004278.2, residues 81-101): QTALRNFQHR[Arg91Cys]HAREQQERQR

ClinVar aggregate classification (germline): Uncertain significance (1 of 4 stars; one submission).

Conditions:
Progressive myoclonic epilepsy. Also called: Familial progressive myoclonic epilepsy; Myoclonic Epilepsies, Progressive; Progressive myoclonus epilepsy; Myoclonus epilepsy. Identifiers: Orphanet 308, Orphanet 98261, MedGen C0751778, MONDO:0020074.

Allele frequency attached by ClinVar (database versions not stated): gnomAD exomes 0.00001.
gnomAD v4.1: 14 of 1,613,932 alleles (0.00087%); highest among the groups gnomAD compares: Admixed American, 0.0033%; 1 homozygote.

Submission:

Labcorp Genetics (formerly Invitae), Labcorp
Classification: Uncertain significance for Progressive myoclonic epilepsy. Last evaluated: 2021-04-16. Review status: criteria provided, single submitter. Criteria: Invitae Variant Classification Sherloc (09022015). Collection method: clinical testing. Allele origin: germline.
Comment: In summary, the available evidence is currently insufficient to determine the role of this variant in disease. Therefore, it has been classified as a Variant of Uncertain Significance. Algorithms developed to predict the effect of missense changes on protein structure and function are either unavailable or do not agree on the potential impact of this missense change (SIFT: "Deleterious"; PolyPhen-2: "Benign"; Align-GVGD: "Class C25"). This variant has not been reported in the literature in individuals with GOSR2-related conditions. This variant is not present in population databases (ExAC no frequency). This sequence change replaces arginine with cysteine at codon 91 of the GOSR2 protein (p.Arg91Cys). The arginine residue is highly conserved and there is a large physicochemical difference between arginine and cysteine.